The following is an entry in ClinVar:

ClinVar aggregate classification (germline): Likely benign. Review status: criteria provided, multiple submitters, no conflicts (2 of 4 stars). 2 submissions from 2 submitters: Likely benign (2). Last evaluated 2025-10-13.

Conditions:
Melanoma, cutaneous malignant, susceptibility to, 3. Also called: Cutaneous malignant melanoma 3. Identifiers: Orphanet 618, MedGen C1836892, MONDO:0012183, OMIM 609048.
Familial melanoma. Also called: Hereditary melanoma; Hereditary cutaneous melanoma. Identifiers: Orphanet 618, MedGen C1512419, MONDO:0018961.

Submissions (2):

Labcorp Genetics (formerly Invitae), Labcorp
Classification: Likely benign for Familial melanoma. Last evaluated: 2025-10-13. Review status: criteria provided, single submitter. Criteria: Invitae Variant Classification Sherloc (09022015). Collection method: clinical testing. Allele origin: germline.

Myriad Genetics, Inc.
Classification: Likely benign for Melanoma, cutaneous malignant, susceptibility to, 3. Last evaluated: 2024-09-26. Review status: criteria provided, single submitter. Criteria: Myriad Autosomal Dominant, Autosomal Recessive and X-Linked Classification Criteria (2023). Collection method: clinical testing. Allele origin: unknown.
Comment: This variant is considered likely benign. This variant is intronic and is not expected to impact mRNA splicing.

NM_000075.4(CDK4):c.633-18T>C

Genes: TSPAN31 (tetraspanin 31; plus strand), CDK4 (cyclin dependent kinase 4; minus strand). Cytogenetic location: 12q14.1.
Variant type: single nucleotide variant.
Coding change: c.633-18T>C on transcript NM_000075.4 (MANE Select); 18 bases into the intron before coding-DNA position 633, T replaced by C.
Molecular consequence: intron variant. On other transcripts: 3 prime UTR variant (3).
Genome position (GRCh38, 1-based): chr12:57,749,522, A>G on the plus strand (T>C on the coding strand, the complement: CDK4 is on the minus strand). VCF-style: chr12-57749522-A-G. GRCh37 (hg19) VCF-style: chr12-58143305-A-G.
Other names: c.*2232A>G (NM_001330168.2, NM_001330169.2, NM_005981.5).
Identifiers: ClinVar variation 1646581 (VCV001646581.9), dbSNP rs2140384054, ClinGen allele CA2573148916.